The following is an entry in ClinVar:

NM_000535.7(PMS2):c.1329_1330dup (p.Arg444fs)

Gene: PMS2 (PMS1 homolog 2, mismatch repair system component; minus strand). Cytogenetic location: 7p22.1.
Variant type: Duplication.
Coding change: c.1329_1330dup on transcript NM_000535.7 (MANE Select); coding-DNA positions 1329 to 1330, 2 bases duplicated (AA; older notation c.1329_1330dupAA).
Protein change: p.Arg444fs; shifts the reading frame from arginine 444.
Molecular consequence: frameshift variant. On other transcripts: non-coding transcript variant (1), intron variant (1).
Genome position (GRCh38, 1-based): chr7:5,987,435-5,987,436, TT duplicated on the plus strand (AA on the coding strand, the reverse complement: PMS2 is on the minus strand). VCF-style (leftmost placement, unchanged base first): chr7-5987434-C-CTT. GRCh37 (hg19) VCF-style: chr7-6027065-C-CTT.
Other names: c.924_925dup, p.Arg309Lysfs (NM_001018040.1); c.924_925dup, p.Arg309fs (NM_001322003.2, NM_001322004.2, NM_001322005.2 and 16 more transcripts); c.1173_1174dup, p.Arg392fs (NM_001322006.2, NM_001406870.1); c.1011_1012dup, p.Arg338fs (NM_001322007.2, NM_001322008.2, NM_001406876.1 and 2 more transcripts); c.768_769dup, p.Arg257fs (NM_001322010.2, NM_001406906.1, NM_001406907.1); c.396_397dup, p.Arg133fs (NM_001322011.2, NM_001322012.2); c.756_757dup, p.Arg253fs (NM_001322013.2, NM_001406909.1); c.1329_1330dup, p.Arg444fs (NM_001322014.2, NM_001406871.1, NM_001406872.1); and 14 more; short protein forms R133fs, R187fs, R253fs, R257fs, R273fs, R286fs, R289fs, R309fs.
Identifiers: ClinVar variation 2674272 (VCV002674272.1), dbSNP rs2535811461, ClinGen allele CA2695198444.

ClinVar aggregate classification (germline): Pathogenic (1 of 4 stars; one submission).

Conditions:
Lynch syndrome 4 (LYNCH4). Also called: Hereditary non-polyposis colorectal cancer, type 4; Colorectal cancer, hereditary nonpolyposis, type 4. Identifiers: Orphanet 144, MedGen C1838333, MONDO:0013699, OMIM 614337. Disease mechanism: loss of function.

Submission:

Myriad Genetics, Inc.
Classification: Pathogenic for Lynch syndrome 4. Last evaluated: 2023-09-20. Review status: criteria provided, single submitter. Criteria: Myriad Autosomal Dominant, Autosomal Recessive and X-Linked Classification Criteria (2023). Collection method: clinical testing. Allele origin: unknown.
Comment: This variant is considered pathogenic. This variant creates a frameshift predicted to result in premature protein truncation.